The following is an entry in ClinVar:

ClinVar aggregate classification (germline): Likely benign (1 of 4 stars; one submission).

Submission:

CeGaT Center for Human Genetics Tuebingen
Classification: Likely benign. Last evaluated: 2025-08-01. Review status: criteria provided, single submitter. Criteria: CeGaT Center For Human Genetics Tuebingen Variant Classification Criteria Version 2. Collection method: clinical testing. Allele origin: germline. Affected: yes. Observed: 1 variant allele.
Comment: TNNT1: PM2:Supporting, BP4, BP7

NM_003283.6(TNNT1):c.39G>A (p.Gln13=)

Gene: TNNT1 (troponin T1, slow skeletal type; minus strand). Cytogenetic location: 19q13.42.
Variant type: single nucleotide variant.
Coding change: c.39G>A on transcript NM_003283.6 (MANE Select); coding-DNA position 39, G replaced by A.
Protein change: p.Gln13=; no amino-acid change (glutamine 13 retained).
Molecular consequence: synonymous variant.
Genome position (GRCh38, 1-based): chr19:55,147,015, C>T on the plus strand (G>A on the coding strand, the complement: TNNT1 is on the minus strand). VCF-style: chr19-55147015-C-T. GRCh37 (hg19) VCF-style: chr19-55658383-C-T.
Other names: c.39G>A, p.Gln13= (NM_001126132.3, NM_001126133.3, NM_001291774.2).
Identifiers: ClinVar variation 4085934 (VCV004085934.8).